The following is an entry in ClinVar:

NM_020401.4(NUP107):c.1998+14G>T

Gene: NUP107 (nucleoporin 107; plus strand). Cytogenetic location: 12q15.
Variant type: single nucleotide variant.
Coding change: c.1998+14G>T on transcript NM_020401.4 (MANE Select); 14 bases into the intron after coding-DNA position 1998, G replaced by T.
Molecular consequence: intron variant.
Genome position (GRCh38, 1-based): chr12:68,731,733, G>T. VCF-style: chr12-68731733-G-T. GRCh37 (hg19) VCF-style: chr12-69125513-G-T.
Other names: c.1911+14G>T (NM_001330192.2).
Identifiers: ClinVar variation 1286822 (VCV001286822.10), dbSNP rs7976871, ClinGen allele CA6677989.
Genomic context (GRCh38, chr12:68,731,733, plus strand): 5'-TTAGTCATCATGACCTGGCCCCAGCCCTAGATACTGGCACTACTGAGGTAATTTGGGATG[G>T]GGGGGCAGAGGTTTCTATAACTTCTAATAATCTTTTATGTTATTCCTTGGTGAACTTCTC-3'

ClinVar aggregate classification (germline): Benign. Review status: criteria provided, multiple submitters, no conflicts (2 of 4 stars). 7 submissions from 6 submitters: Benign (7). Last evaluated 2025-06-12.

Conditions:
Galloway-Mowat syndrome 7. Identifiers: MedGen C5193044, MONDO:0032692, OMIM 618348.
Nephrotic syndrome, type 11 (NPHS11). Identifiers: Orphanet 656, MedGen C4225228, MONDO:0014752, OMIM 616730.

Allele frequency attached by ClinVar (database versions not stated): ESP Exome Variant Server 0.11864; TOPMed 0.21481; 1000 Genomes Project 30x 0.21674; 1000 Genomes Project 0.22025; ExAC 0.25747; gnomAD exomes 0.25758.
gnomAD v4.1: 358,484 of 1,356,540 alleles (26%); highest among the groups gnomAD compares: Middle Eastern, 30%; 48,838 homozygotes.

Submissions (7):

Labcorp Genetics (formerly Invitae), Labcorp
Classification: Benign. Last evaluated: 2025-06-12. Review status: criteria provided, single submitter. Criteria: Invitae Variant Classification Sherloc (09022015). Collection method: clinical testing. Allele origin: germline.

Blueprint Genetics
Classification: Benign. Last evaluated: 2024-11-27. Review status: criteria provided, single submitter. Criteria: ACMG Guidelines, 2015. Collection method: clinical testing. Allele origin: germline.

Unidad de Genómica Garrahan, Hospital de Pediatría Garrahan
Classification: Benign. Last evaluated: 2024-07-15. Review status: criteria provided, single submitter. Criteria: ACMG Guidelines, 2015. Collection method: clinical testing. Allele origin: germline. Affected: no. Observed: 34 variant alleles.
Comment: This variant is classified as Benign based on local population frequency. This variant was detected in 37% of patients studied in a panel designed for Epileptic and Developmental Encephalopathy and Progressive Myoclonus Epilepsy. Number of patients: 34. Only high quality variants are reported.

Genome-Nilou Lab
Classification: Benign for Galloway-Mowat syndrome 7. Last evaluated: 2021-09-05. Review status: criteria provided, single submitter. Criteria: ACMG Guidelines, 2015. Collection method: clinical testing. Allele origin: germline. Affected: no.

Genome-Nilou Lab
Classification: Benign for Nephrotic syndrome, type 11. Last evaluated: 2021-09-05. Review status: criteria provided, single submitter. Criteria: ACMG Guidelines, 2015. Collection method: clinical testing. Allele origin: germline. Affected: no.

GeneDx
Classification: Benign. Last evaluated: 2019-10-25. Review status: criteria provided, single submitter. Criteria: GeneDx Variant Classification Process June 2021. Collection method: clinical testing. Allele origin: germline. Affected: yes.

Breakthrough Genomics
Classification: Benign. Review status: criteria provided, single submitter. Criteria: ACMG Guidelines, 2015. Collection method: not provided. Allele origin: germline. Inheritance: Autosomal recessive inheritance. Affected: yes.